The following is an entry in ClinVar:

NM_001122659.3(EDNRB):c.1008G>A (p.Trp336Ter)

Genes: EDNRB (endothelin receptor type B; minus strand), EDNRB-AS1 (EDNRB antisense RNA 1; plus strand). Cytogenetic location: 13q22.3.
Variant type: single nucleotide variant.
Coding change: c.1008G>A on transcript NM_001122659.3 (MANE Select); coding-DNA position 1008, G replaced by A.
Protein change: p.Trp336Ter; replaces tryptophan 336 with a stop codon.
Molecular consequence: nonsense.
Genome position (GRCh38, 1-based): chr13:77,900,598, C>T on the plus strand (G>A on the coding strand, the complement: EDNRB is on the minus strand). VCF-style: chr13-77900598-C-T. GRCh37 (hg19) VCF-style: chr13-78474733-C-T.
Other names: c.1008G>A, p.Trp336Ter (NM_000115.5, NM_003991.4); c.1278G>A, p.Trp426Ter (NM_001201397.2); short protein forms W336*, W426*.
Identifiers: ClinVar variation 4710105 (VCV004710105.1).

ClinVar aggregate classification (germline): Pathogenic (1 of 4 stars; one submission).

gnomAD v4.1: 2 of 1,612,610 alleles (0.00012%); highest among the groups gnomAD compares: Non-Finnish European, 0.00017%; no homozygotes.

Submission:

Labcorp Genetics (formerly Invitae), Labcorp
Classification: Pathogenic. Last evaluated: 2025-02-27. Review status: criteria provided, single submitter. Criteria: Invitae Variant Classification Sherloc (09022015). Collection method: clinical testing. Allele origin: germline.
Comment: This sequence change creates a premature translational stop signal (p.Trp336*) in the EDNRB gene. It is expected to result in an absent or disrupted protein product. Loss-of-function variants in EDNRB are known to be pathogenic (PMID: 8001159, 10528251, 20127975, 30394532). This variant is not present in population databases (gnomAD no frequency). This premature translational stop signal has been observed in individual(s) with Waardenburg syndrome (PMID: 20127975). Algorithms developed to predict the effect of sequence changes on RNA splicing suggest that this variant may disrupt the consensus splice site. For these reasons, this variant has been classified as Pathogenic.

Literature cited by the submitters: PubMed 8001159; PubMed 10528251; PubMed 20127975; PubMed 30394532.